The following is an entry in ClinVar:

NM_004991.4(MECOM):c.1351A>G (p.Met451Val)

Gene: MECOM (MDS1 and EVI1 complex locus; minus strand). Cytogenetic location: 3q26.2.
Variant type: single nucleotide variant.
Coding change: c.1351A>G on transcript NM_004991.4 (MANE Select); coding-DNA position 1351, A replaced by G.
Protein change: p.Met451Val; replaces methionine 451 with valine.
Molecular consequence: missense variant. On other transcripts: intron variant (2).
Genome position (GRCh38, 1-based): chr3:169,116,521, T>C on the plus strand (A>G on the coding strand, the complement: MECOM is on the minus strand). VCF-style: chr3-169116521-T-C. GRCh37 (hg19) VCF-style: chr3-168834309-T-C.
Other names: c.982A>G, p.Met328Val (NM_001105077.4); c.787A>G, p.Met263Val (NM_001105078.4, NM_001164000.2, NM_001205194.2 and 4 more transcripts); c.790A>G, p.Met264Val (NM_001163999.2, NM_001366467.2, NM_001366468.2 and 1 more transcripts); c.1351A>G, p.Met451Val (NM_001366466.2); c.1133-754A>G (NM_001366473.2); c.569-754A>G (NM_001366474.2); c.1351A>G (NM_004991.3); short protein forms M263V, M451V, M264V, M328V.
Identifiers: ClinVar variation 2747943 (VCV002747943.4), dbSNP rs1039043054, ClinGen allele CA87576698.

ClinVar aggregate classification (germline): Uncertain significance. Review status: criteria provided, multiple submitters, no conflicts (2 of 4 stars). 2 submissions from 2 submitters: Uncertain significance (2). Last evaluated 2025-07-21.

Conditions:
MECOM-related disorder. Also called: MECOM-related condition.

Allele frequency attached by ClinVar (database versions not stated): gnomAD exomes below 0.00001.
gnomAD v4.1: 2 of 1,614,114 alleles (0.00012%); highest among the groups gnomAD compares: East Asian, 0.0022%; no homozygotes.

Submissions (2):

Labcorp Genetics (formerly Invitae), Labcorp
Classification: Uncertain significance. Last evaluated: 2025-07-21. Review status: criteria provided, single submitter. Criteria: Invitae Variant Classification Sherloc (09022015). Collection method: clinical testing. Allele origin: germline.
Comment: This sequence change replaces methionine, which is neutral and non-polar, with valine, which is neutral and non-polar, at codon 263 of the MECOM protein (p.Met263Val). This variant is present in population databases (no rsID available, gnomAD 0.006%). This variant has not been reported in the literature in individuals affected with MECOM-related conditions. ClinVar contains an entry for this variant (Variation ID: 2747943). An algorithm developed to predict the effect of missense changes on protein structure and function (PolyPhen-2) suggests that this variant is likely to be tolerated. In summary, the available evidence is currently insufficient to determine the role of this variant in disease. Therefore, it has been classified as a Variant of Uncertain Significance.

PreventionGenetics, part of Exact Sciences
Classification: Uncertain significance for MECOM-related condition. Last evaluated: 2025-02-20. Review status: criteria provided, single submitter. Criteria: ACMG Guidelines, 2015. Collection method: clinical testing. Allele origin: germline.
Comment: The MECOM c.1351A>G variant is predicted to result in the amino acid substitution p.Met451Val. To our knowledge, this variant has not been reported in the literature. This variant is reported in 0.0054% of alleles in individuals of East Asian descent in gnomAD. At this time, the clinical significance of this variant is uncertain due to the absence of conclusive functional and genetic evidence.